The following is an entry in ClinVar:

NM_001853.4(COL9A3):c.248G>T (p.Gly83Val)

Gene: COL9A3 (collagen type IX alpha 3 chain; plus strand). Cytogenetic location: 20q13.33.
Variant type: single nucleotide variant.
Coding change: c.248G>T on transcript NM_001853.4 (MANE Select); coding-DNA position 248, G replaced by T.
Protein change: p.Gly83Val; replaces glycine 83 with valine.
Molecular consequence: missense variant.
Genome position (GRCh38, 1-based): chr20:62,819,286, G>T. VCF-style: chr20-62819286-G-T. GRCh37 (hg19) VCF-style: chr20-61450638-G-T.
Other names: short protein forms G83V.
Identifiers: ClinVar variation 1508455 (VCV001508455.8), dbSNP rs1434111481, ClinGen allele CA409587606.
Genomic context (GRCh38, chr20:62,819,286, plus strand): 5'-CAAAGGGGGCCCCAGGAAAGCCGGGGAAACCAGGAGAGGCTGGGCTGCCGGGACTGCCGG[G>T]TGTGGATGTGAGTGCGCCTGCCCCTCCCCGCCATGCCCCACTCCCCGCTCCGGGTCCCTG-3'
Protein context (NP_001844.3, residues 73-93): PGEAGLPGLP[Gly83Val]VDGLTGRDGP

ClinVar aggregate classification (germline): Uncertain significance (1 of 4 stars; one submission).

Allele frequency attached by ClinVar (database versions not stated): gnomAD exomes below 0.00001; TOPMed below 0.00001.
gnomAD v4.1: 8 of 1,610,452 alleles (0.0005%); highest among the groups gnomAD compares: South Asian, 0.0066%; no homozygotes.

Submission:

Labcorp Genetics (formerly Invitae), Labcorp
Classification: Uncertain significance. Last evaluated: 2024-11-04. Review status: criteria provided, single submitter. Criteria: Invitae Variant Classification Sherloc (09022015). Collection method: clinical testing. Allele origin: germline.
Comment: This sequence change replaces glycine, which is neutral and non-polar, with valine, which is neutral and non-polar, at codon 83 of the COL9A3 protein (p.Gly83Val). The frequency data for this variant in the population databases is considered unreliable, as metrics indicate poor data quality at this position in the gnomAD database. This variant has not been reported in the literature in individuals affected with COL9A3-related conditions. ClinVar contains an entry for this variant (Variation ID: 1508455). Invitae Evidence Modeling of protein sequence and biophysical properties (such as structural, functional, and spatial information, amino acid conservation, physicochemical variation, residue mobility, and thermodynamic stability) indicates that this missense variant is expected to disrupt COL9A3 protein function with a positive predictive value of 95%. In summary, the available evidence is currently insufficient to determine the role of this variant in disease. Therefore, it has been classified as a Variant of Uncertain Significance.